The following is an entry in ClinVar:

Conditions:
Long QT syndrome 5 (LQT5). Identifiers: Orphanet 101016, Orphanet 768, MedGen C1867904, MONDO:0013372, OMIM 613695.

Submission:

Roden Lab, Vanderbilt University Medical Center
No classification provided (evidence only). Condition: Long QT syndrome 5. Review status: no classification provided. Collection method: in vitro. Allele origin: not applicable. Functional consequence: Effect on ion channel function.
ClinVar note: "not provided" was previously submitted as the classification for the variant. However, the classification appeared to be based only on an observation of functional data so it was converted to no classification on 2025-07-30.

NM_000219.6(KCNE1):c.33C>T (p.Pro11=)

Gene: KCNE1 (potassium voltage-gated channel subfamily E regulatory subunit 1; minus strand). Cytogenetic location: 21q22.12.
Variant type: single nucleotide variant.
Coding change: c.33C>T on transcript NM_000219.6 (MANE Select); coding-DNA position 33, C replaced by T.
Protein change: p.Pro11=; no amino-acid change (proline 11 retained).
Molecular consequence: synonymous variant.
Genome position (GRCh38, 1-based): chr21:34,449,602, G>A on the plus strand (C>T on the coding strand, the complement: KCNE1 is on the minus strand). VCF-style: chr21-34449602-G-A. GRCh37 (hg19) VCF-style: chr21-35821900-G-A.
Other names: c.33C>T, p.Pro11= (NM_001127668.4, NM_001127669.4, NM_001127670.4 and 4 more transcripts).
Identifiers: ClinVar variation 3374682 (VCV003374682.2).